The following is an entry in ClinVar:

ClinVar aggregate classification (germline): Uncertain significance (1 of 4 stars; one submission).

Conditions:
AMH-related disorder. Also called: AMH-related condition.

gnomAD v4.1: 5 of 1,519,704 alleles (0.00033%); highest among the groups gnomAD compares: Admixed American, 0.006%; no homozygotes.

Submission:

PreventionGenetics, part of Exact Sciences
Classification: Uncertain significance for AMH-related condition. Last evaluated: 2024-12-12. Review status: criteria provided, single submitter. Criteria: ACMG Guidelines, 2015. Collection method: clinical testing. Allele origin: germline.
Comment: The AMH c.892G>C variant is predicted to result in the amino acid substitution p.Val298Leu. To our knowledge, this variant has not been reported in the literature. This variant is reported in 0.013% of alleles in individuals of Latino descent in gnomAD. At this time, the clinical significance of this variant is uncertain due to the absence of conclusive functional and genetic evidence.

NM_000479.5(AMH):c.892G>C (p.Val298Leu)

Gene: AMH (anti-Mullerian hormone; plus strand). Cytogenetic location: 19p13.3.
Variant type: single nucleotide variant.
Coding change: c.892G>C on transcript NM_000479.5 (MANE Select); coding-DNA position 892, G replaced by C.
Protein change: p.Val298Leu; replaces valine 298 with leucine.
Molecular consequence: missense variant.
Genome position (GRCh38, 1-based): chr19:2,251,166, G>C. VCF-style: chr19-2251166-G-C. GRCh37 (hg19) VCF-style: chr19-2251165-G-C.
Other names: short protein forms V298L.
Identifiers: ClinVar variation 4989635 (VCV004989635.1).